The following is an entry in ClinVar:

ClinVar aggregate classification (germline): Uncertain significance (1 of 4 stars; one submission).

Conditions:
Naxos disease (NXD). Also called: KERATOSIS PALMOPLANTARIS WITH ARRHYTHMOGENIC CARDIOMYOPATHY; MAL DE NAXOS; PALMOPLANTAR KERATODERMA WITH ARRHYTHMOGENIC RIGHT VENTRICULAR CARDIOMYOPATHY AND WOOLLY HAIR; WOOLLY HAIR, PALMOPLANTAR KERATODERMA, AND CARDIAC ABNORMALITIES; CARDIOMYOPATHY, ARRHYTHMOGENIC RIGHT VENTRICULAR, WITH SKIN, HAIR, AND NAIL ABNORMALITIES. Identifiers: Orphanet 34217, MedGen C1832600, MONDO:0011017, OMIM 601214.
Arrhythmogenic right ventricular dysplasia 12. Also called: ARRHYTHMOGENIC RIGHT VENTRICULAR DYSPLASIA, FAMILIAL, 12. Identifiers: MedGen C1969081, MONDO:0012684, OMIM 611528.

Submission:

Labcorp Genetics (formerly Invitae), Labcorp
Classification: Uncertain significance for Arrhythmogenic right ventricular dysplasia 12; Naxos disease. Last evaluated: 2020-07-07. Review status: criteria provided, single submitter. Criteria: Invitae Variant Classification Sherloc (09022015). Collection method: clinical testing. Allele origin: germline.
Comment: In summary, the available evidence is currently insufficient to determine the role of this variant in disease. Therefore, it has been classified as a Variant of Uncertain Significance. Algorithms developed to predict the effect of missense changes on protein structure and function are either unavailable or do not agree on the potential impact of this missense change (SIFT: "Deleterious"; PolyPhen-2: "Probably Damaging"; Align-GVGD: "Class C0"). This variant has not been reported in the literature in individuals with JUP-related conditions. This variant is not present in population databases (ExAC no frequency). This sequence change replaces cysteine with tyrosine at codon 291 of the JUP protein (p.Cys291Tyr). The cysteine residue is moderately conserved and there is a large physicochemical difference between cysteine and tyrosine.

NM_002230.4(JUP):c.872G>A (p.Cys291Tyr)

Gene: JUP (junction plakoglobin; minus strand). Cytogenetic location: 17q21.2.
Variant type: single nucleotide variant.
Coding change: c.872G>A on transcript NM_002230.4 (MANE Select); coding-DNA position 872, G replaced by A.
Protein change: p.Cys291Tyr; replaces cysteine 291 with tyrosine.
Molecular consequence: missense variant.
Genome position (GRCh38, 1-based): chr17:41,767,416, C>T on the plus strand (G>A on the coding strand, the complement: JUP is on the minus strand). VCF-style: chr17-41767416-C-T. GRCh37 (hg19) VCF-style: chr17-39923668-C-T.
Other names: c.872G>A, p.Cys291Tyr (NM_001352773.2, NM_001352774.2, NM_001352775.2 and 3 more transcripts); short protein forms C291Y.
Identifiers: ClinVar variation 1044205 (VCV001044205.8), dbSNP rs1915903369, ClinGen allele CA399500705.
Genomic context (GRCh38, chr17:41,767,416, plus strand): 5'-CGGGAGAGTTGGGGAGGGCCCACCTTGCTCTCCTGGTTGCCGTAGGCCAGGAGCTGCAGG[C>T]AGTCGGTGGTGATGGCCAGGAACTTGGGGTTGTTCTTGTTGAGCAGGGGCACCATCTTTT-3'
Protein context (NP_002221.1, residues 281-301): NPKFLAITTD[Cys291Tyr]LQLLAYGNQE